The following is an entry in ClinVar:

NM_001374259.2(IL12RB2):c.398T>C (p.Ile133Thr)

Gene: IL12RB2 (interleukin 12 receptor subunit beta 2; plus strand). Cytogenetic location: 1p31.3.
Variant type: single nucleotide variant.
Coding change: c.398T>C on transcript NM_001374259.2 (MANE Select); coding-DNA position 398, T replaced by C.
Protein change: p.Ile133Thr; replaces isoleucine 133 with threonine.
Molecular consequence: missense variant. On other transcripts: non-coding transcript variant (2).
Genome position (GRCh38, 1-based): chr1:67,326,768, T>C. VCF-style: chr1-67326768-T-C. GRCh37 (hg19) VCF-style: chr1-67792451-T-C.
Other names: c.398T>C, p.Ile133Thr (NM_001258214.1, NM_001258215.1, NM_001258216.1 and 2 more transcripts); short protein forms I133T.
Identifiers: ClinVar variation 1382915 (VCV001382915.6), dbSNP rs1395263520, ClinGen allele CA340731849.

ClinVar aggregate classification (germline): Uncertain significance (1 of 4 stars; one submission).

Allele frequency attached by ClinVar (database versions not stated): gnomAD exomes 0.00001 and below 0.00001; TOPMed below 0.00001; gnomAD 0.00001.

Submission:

Labcorp Genetics (formerly Invitae), Labcorp
Classification: Uncertain significance. Last evaluated: 2023-11-27. Review status: criteria provided, single submitter. Criteria: Invitae Variant Classification Sherloc (09022015). Collection method: clinical testing. Allele origin: germline.
Comment: This sequence change replaces isoleucine, which is neutral and non-polar, with threonine, which is neutral and polar, at codon 133 of the IL12RB2 protein (p.Ile133Thr). This variant is present in population databases (no rsID available, gnomAD 0.01%). This variant has not been reported in the literature in individuals affected with IL12RB2-related conditions. ClinVar contains an entry for this variant (Variation ID: 1382915). Algorithms developed to predict the effect of missense changes on protein structure and function output the following: SIFT: "Not Available"; PolyPhen-2: "Benign"; Align-GVGD: "Not Available". The threonine amino acid residue is found in multiple mammalian species, which suggests that this missense change does not adversely affect protein function. In summary, the available evidence is currently insufficient to determine the role of this variant in disease. Therefore, it has been classified as a Variant of Uncertain Significance.